The following is an entry in ClinVar:

ClinVar aggregate classification (germline): Pathogenic (1 of 4 stars; one submission).

Conditions:
VPS13A-related neurodegenerative disease. Also called: ACANTHOCYTOSIS WITH NEUROLOGIC DISORDER; LEVINE-CRITCHLEY SYNDROME; Choreoacanthocytosis; Chorea-acanthocytosis; Choreaacanthocytosis; VPS13A Disease. Identifiers: Orphanet 2388, MedGen C0393576, MONDO:0008695, OMIM 200150.

Submission:

Myriad Genetics, Inc.
Classification: Pathogenic for VPS13A-related neurodegenerative disease. Last evaluated: 2024-03-08. Review status: criteria provided, single submitter. Criteria: Myriad Autosomal Dominant, Autosomal Recessive and X-Linked Classification Criteria (2023). Collection method: clinical testing. Allele origin: unknown.
Comment: NM_033305.2(VPS13A):c.2402dupT(S802Ifs*35) is expected to be pathogenic in the context of VPS13A disease. This variant is predicted to lead to an abnormal or absent protein product due to the creation of a premature termination codon in VPS13A, a gene where loss-of-function variants are known to be pathogenic. Please note: this variant was assessed in the context of healthy population screening.

NM_033305.3(VPS13A):c.2402dup (p.Ser802fs)

Gene: VPS13A (vacuolar protein sorting 13 homolog A; plus strand). Cytogenetic location: 9q21.2.
Variant type: Duplication.
Coding change: c.2402dup on transcript NM_033305.3 (MANE Select); coding-DNA position 2402, one base duplicated (T; older notation c.2402dupT).
Protein change: p.Ser802fs; shifts the reading frame from serine 802.
Molecular consequence: frameshift variant.
Genome position (GRCh38, 1-based): chr9:77,260,199, T duplicated. VCF-style (leftmost placement, unchanged base first): chr9-77260198-G-GT. GRCh37 (hg19) VCF-style: chr9-79875114-G-GT.
Other names: c.2402dup, p.Ser802fs (NM_001018037.2, NM_001018038.3, NM_015186.4); short protein forms S802fs.
Identifiers: ClinVar variation 5012807 (VCV005012807.1).